The following is an entry in ClinVar:

NM_003803.4(MYOM1):c.4888T>G (p.Tyr1630Asp)

Gene: MYOM1 (myomesin 1; minus strand). Cytogenetic location: 18p11.31.
Variant type: single nucleotide variant.
Coding change: c.4888T>G on transcript NM_003803.4 (MANE Select); coding-DNA position 4888, T replaced by G.
Protein change: p.Tyr1630Asp; replaces tyrosine 1630 with aspartic acid.
Molecular consequence: missense variant.
Genome position (GRCh38, 1-based): chr18:3,067,432, A>C on the plus strand (T>G on the coding strand, the complement: MYOM1 is on the minus strand). VCF-style: chr18-3067432-A-C. GRCh37 (hg19) VCF-style: chr18-3067430-A-C.
Other names: c.4600T>G, p.Tyr1534Asp (NM_019856.2); short protein forms Y1630D, Y1534D.
Identifiers: ClinVar variation 4770908 (VCV004770908.1).

ClinVar aggregate classification (germline): Uncertain significance (1 of 4 stars; one submission).

Conditions:
Hypertrophic cardiomyopathy. Also called: HYPERTROPHIC MYOCARDIOPATHY. Identifiers: Orphanet 217569, MedGen C0007194, MeSH D002312, MONDO:0005045, HP:0001639.

Submission:

Labcorp Genetics (formerly Invitae), Labcorp
Classification: Uncertain significance for Hypertrophic cardiomyopathy. Last evaluated: 2025-10-19. Review status: criteria provided, single submitter. Criteria: Invitae Variant Classification Sherloc (09022015). Collection method: clinical testing. Allele origin: germline.
Comment: This sequence change replaces tyrosine, which is neutral and polar, with aspartic acid, which is acidic and polar, at codon 1630 of the MYOM1 protein (p.Tyr1630Asp). This variant is not present in population databases (gnomAD no frequency). This variant has not been reported in the literature in individuals affected with MYOM1-related conditions. Invitae Evidence Modeling of protein sequence and biophysical properties (such as structural, functional, and spatial information, amino acid conservation, physicochemical variation, residue mobility, and thermodynamic stability) indicates that this missense variant is not expected to disrupt MYOM1 protein function with a negative predictive value of 80%. In summary, the available evidence is currently insufficient to determine the role of this variant in disease. Therefore, it has been classified as a Variant of Uncertain Significance.